The following is an entry in ClinVar:

ClinVar aggregate classification (germline): Uncertain significance. Review status: criteria provided, multiple submitters, no conflicts (2 of 4 stars). 2 submissions from 2 submitters: Uncertain significance (2). Last evaluated 2025-05-29.

Conditions:
CC2D2A-related disorder. Also called: CC2D2A-related disorders; CC2D2A-related condition. Identifiers: MedGen CN239313.
Joubert syndrome. Also called: JOUBERT-BOLTSHAUSER SYNDROME; Familial aplasia of the vermis. Identifiers: Orphanet 475, MedGen C5979921, MONDO:0018772.
Meckel-Gruber syndrome. Also called: DYSENCEPHALIA SPLANCHNOCYSTICA; GRUBER SYNDROME; Dysencephalia splachnocystica. Identifiers: Orphanet 564, MedGen C0265215, MONDO:0018921.

Allele frequency attached by ClinVar (database versions not stated): ExAC 0.00001; gnomAD 0.00001; gnomAD exomes 0.00001 and 0.00002; TOPMed 0.00001; ESP Exome Variant Server 0.00008.
gnomAD v4.1: 7 of 1,613,892 alleles (0.00043%); highest among the groups gnomAD compares: South Asian, 0.0022%; no homozygotes.

Submissions (2):

PreventionGenetics, part of Exact Sciences
Classification: Uncertain significance for CC2D2A-related condition. Last evaluated: 2025-05-29. Review status: criteria provided, single submitter. Criteria: ACMG Guidelines, 2015. Collection method: clinical testing. Allele origin: germline.
Comment: The CC2D2A c.823A>G variant is predicted to result in the amino acid substitution p.Ile275Val. This variant has been reported in an individual with polycystic kidney disease who also carried a pathogenic variant in PMM2 (Nigro et al. 2023. PubMed ID: 37372416). The variant in CC2D2A was considered a VUS. This variant is reported in 0.0035% of alleles in individuals of European (Non-Finnish) descent in gnomAD. At this time, the clinical significance of this variant is uncertain due to the absence of conclusive functional and genetic evidence.

Labcorp Genetics (formerly Invitae), Labcorp
Classification: Uncertain significance for Joubert syndrome; Meckel-Gruber syndrome. Last evaluated: 2021-08-31. Review status: criteria provided, single submitter. Criteria: Invitae Variant Classification Sherloc (09022015). Collection method: clinical testing. Allele origin: germline.
Comment: This sequence change replaces isoleucine with valine at codon 275 of the CC2D2A protein (p.Ile275Val). The isoleucine residue is weakly conserved and there is a small physicochemical difference between isoleucine and valine. This variant is present in population databases (rs368471984, ExAC 0.001%). This variant has not been reported in the literature in individuals affected with CC2D2A-related conditions. Advanced modeling of protein sequence and biophysical properties (such as structural, functional, and spatial information, amino acid conservation, physicochemical variation, residue mobility, and thermodynamic stability) performed at Invitae indicates that this missense variant is not expected to disrupt CC2D2A protein function. In summary, the available evidence is currently insufficient to determine the role of this variant in disease. Therefore, it has been classified as a Variant of Uncertain Significance.

NM_001378615.1(CC2D2A):c.823A>G (p.Ile275Val)

Genes: CC2D2A (coiled-coil and C2 domain containing 2A; plus strand), FBXL5 (F-box and leucine rich repeat protein 5; minus strand). Cytogenetic location: 4p15.32.
Variant type: single nucleotide variant.
Coding change: c.823A>G on transcript NM_001378615.1 (MANE Select); coding-DNA position 823, A replaced by G.
Protein change: p.Ile275Val; replaces isoleucine 275 with valine.
Molecular consequence: missense variant.
Genome position (GRCh38, 1-based): chr4:15,514,812, A>G. VCF-style: chr4-15514812-A-G. GRCh37 (hg19) VCF-style: chr4-15516435-A-G.
Other names: c.823A>G, p.Ile275Val (NM_001080522.2); c.676A>G, p.Ile226Val (NM_001378617.1); short protein forms I226V, I275V.
Identifiers: ClinVar variation 1524412 (VCV001524412.6), dbSNP rs368471984, ClinGen allele CA2863498.